The following is an entry in ClinVar:

ClinVar aggregate classification (germline): Uncertain significance. Review status: criteria provided, multiple submitters, no conflicts (2 of 4 stars). 2 submissions from 2 submitters: Uncertain significance (2). Last evaluated 2025-09-24.

Allele frequency attached by ClinVar (database versions not stated): gnomAD 0.00004; gnomAD exomes 0.00005; TOPMed 0.00011.
gnomAD v4.1: 84 of 1,612,818 alleles (0.0052%); highest among the groups gnomAD compares: Admixed American, 0.015%; no homozygotes.

Submissions (2):

Labcorp Genetics (formerly Invitae), Labcorp
Classification: Uncertain significance. Last evaluated: 2025-09-24. Review status: criteria provided, single submitter. Criteria: Invitae Variant Classification Sherloc (09022015). Collection method: clinical testing. Allele origin: germline.
Comment: This sequence change replaces glutamic acid, which is acidic and polar, with glutamine, which is neutral and polar, at codon 313 of the TRAP1 protein (p.Glu313Gln). This variant is present in population databases (no rsID available, gnomAD 0.01%). This variant has not been reported in the literature in individuals affected with TRAP1-related conditions. ClinVar contains an entry for this variant (Variation ID: 2054371). Invitae Evidence Modeling of protein sequence and biophysical properties (such as structural, functional, and spatial information, amino acid conservation, physicochemical variation, residue mobility, and thermodynamic stability) indicates that this missense variant is not expected to disrupt TRAP1 protein function with a negative predictive value of 80%. In summary, the available evidence is currently insufficient to determine the role of this variant in disease. Therefore, it has been classified as a Variant of Uncertain Significance.

Ambry Genetics
Classification: Uncertain significance. Last evaluated: 2023-04-17. Review status: criteria provided, single submitter. Criteria: Ambry Variant Classification Scheme 2023. Collection method: clinical testing. Allele origin: germline.

NM_016292.3(TRAP1):c.937G>C (p.Glu313Gln)

Gene: TRAP1 (TNF receptor associated protein 1; minus strand). Cytogenetic location: 16p13.3.
Variant type: single nucleotide variant.
Coding change: c.937G>C on transcript NM_016292.3 (MANE Select); coding-DNA position 937, G replaced by C.
Protein change: p.Glu313Gln; replaces glutamic acid 313 with glutamine.
Molecular consequence: missense variant.
Genome position (GRCh38, 1-based): chr16:3,674,446, C>G on the plus strand (G>C on the coding strand, the complement: TRAP1 is on the minus strand). VCF-style: chr16-3674446-C-G. GRCh37 (hg19) VCF-style: chr16-3724447-C-G.
Other names: c.937G>C (NM_016292.2); c.778G>C, p.Glu260Gln (NM_001272049.2); short protein forms E313Q, E260Q.
Identifiers: ClinVar variation 2054371 (VCV002054371.6), dbSNP rs1007505385, ClinGen allele CA276999437.